The following is an entry in ClinVar:

ClinVar aggregate classification (germline): Uncertain significance (1 of 4 stars; one submission).

Conditions:
Short-rib thoracic dysplasia 10 with or without polydactyly (SRTD10). Identifiers: Orphanet 474, MedGen C3810175, MONDO:0014284, OMIM 615630.
Retinitis pigmentosa 71 (RP71). Identifiers: Orphanet 791, MedGen C4225342, MONDO:0014618, OMIM 616394.

Allele frequency attached by ClinVar (database versions not stated): gnomAD exomes below 0.00001.
gnomAD v4.1: 1 of 1,612,100 alleles (0.000062%); highest among the groups gnomAD compares: South Asian, 0.0011%; no homozygotes.

Submission:

Labcorp Genetics (formerly Invitae), Labcorp
Classification: Uncertain significance for Retinitis pigmentosa 71; Short-rib thoracic dysplasia 10 with or without polydactyly. Last evaluated: 2022-06-20. Review status: criteria provided, single submitter. Criteria: Invitae Variant Classification Sherloc (09022015). Collection method: clinical testing. Allele origin: germline.
Comment: Algorithms developed to predict the effect of missense changes on protein structure and function are either unavailable or do not agree on the potential impact of this missense change (SIFT: "Deleterious"; PolyPhen-2: "Possibly Damaging"; Align-GVGD: "Class C0"). In summary, the available evidence is currently insufficient to determine the role of this variant in disease. Therefore, it has been classified as a Variant of Uncertain Significance. Algorithms developed to predict the effect of sequence changes on RNA splicing suggest that this variant may disrupt the consensus splice site. This variant has not been reported in the literature in individuals affected with IFT172-related conditions. This variant is present in population databases (no rsID available, gnomAD 0.003%). This sequence change replaces isoleucine, which is neutral and non-polar, with phenylalanine, which is neutral and non-polar, at codon 522 of the IFT172 protein (p.Ile522Phe).

NM_015662.3(IFT172):c.1564A>T (p.Ile522Phe)

Gene: IFT172 (intraflagellar transport 172; minus strand). Cytogenetic location: 2p23.3.
Variant type: single nucleotide variant.
Coding change: c.1564A>T on transcript NM_015662.3 (MANE Select); coding-DNA position 1564, A replaced by T.
Protein change: p.Ile522Phe; replaces isoleucine 522 with phenylalanine.
Molecular consequence: missense variant.
Genome position (GRCh38, 1-based): chr2:27,471,056, T>A on the plus strand (A>T on the coding strand, the complement: IFT172 is on the minus strand). VCF-style: chr2-27471056-T-A. GRCh37 (hg19) VCF-style: chr2-27693923-T-A.
Other names: short protein forms I522F.
Identifiers: ClinVar variation 1495325 (VCV001495325.8), dbSNP rs1437298206, ClinGen allele CA346390461.